The following is an entry in ClinVar:

NM_015450.3(POT1):c.1247C>T (p.Thr416Ile)

Gene: POT1 (protection of telomeres 1; minus strand). Cytogenetic location: 7q31.33.
Variant type: single nucleotide variant.
Coding change: c.1247C>T on transcript NM_015450.3 (MANE Select); coding-DNA position 1247, C replaced by T.
Protein change: p.Thr416Ile; replaces threonine 416 with isoleucine.
Molecular consequence: missense variant. On other transcripts: non-coding transcript variant (3).
Genome position (GRCh38, 1-based): chr7:124,841,095, G>A on the plus strand (C>T on the coding strand, the complement: POT1 is on the minus strand). VCF-style: chr7-124841095-G-A. GRCh37 (hg19) VCF-style: chr7-124481149-G-A.
Other names: c.854C>T, p.Thr285Ile (NM_001042594.2); short protein forms T285I, T416I.
Identifiers: ClinVar variation 937639 (VCV000937639.12), dbSNP rs1795017352, ClinGen allele CA369067439.
Genomic context (GRCh38, chr7:124,841,095, plus strand): 5'-ACTGCTACTTTTCGTCCTTTTTGATTTTTAGTGGTCCAGATTTTTGAATCATATAATGAT[G>A]TATTTTGTAGCTTGACATCTGGGGTTTTAGTTGCACCATCCTGAAAAATTATATCCAAAT-3'
Protein context (NP_056265.2, residues 406-426): TKTPDVKLQN[Thr416Ile]SLYDSKIWTT

ClinVar aggregate classification (germline): Uncertain significance. Review status: criteria provided, multiple submitters, no conflicts (2 of 4 stars). 2 submissions from 2 submitters: Uncertain significance (2). Last evaluated 2020-12-21.

Conditions:
Tumor predisposition syndrome 3 (TPDS3). Also called: Glioma susceptibility 9; LONG TELOMERE SYNDROME, POT1-RELATED; POT1 Tumor Predisposition; Melanoma, cutaneous malignant, susceptibility to, 10. Identifiers: Orphanet 618, MedGen C4014476, MONDO:0014368, OMIM 615848.
Hereditary cancer-predisposing syndrome. Also called: Neoplastic Syndromes, Hereditary; Tumor predisposition; Hereditary Cancer Syndrome; Hereditary neoplastic syndrome. Identifiers: Orphanet 140162, MedGen C0027672, MeSH D009386, MONDO:0015356.

Allele frequency attached by ClinVar (database versions not stated): gnomAD exomes below 0.00001.

Submissions (2):

Ambry Genetics
Classification: Uncertain significance for Hereditary cancer-predisposing syndrome. Last evaluated: 2020-12-21. Review status: criteria provided, single submitter. Criteria: Ambry Variant Classification Scheme 2023. Collection method: clinical testing. Allele origin: germline.
Comment: The p.T416I variant (also known as c.1247C>T), located in coding exon 10 of the POT1 gene, results from a C to T substitution at nucleotide position 1247. The threonine at codon 416 is replaced by isoleucine, an amino acid with similar properties. This amino acid position is well conserved in available vertebrate species. In addition, this alteration is predicted to be tolerated by in silico analysis. Since supporting evidence is limited at this time, the clinical significance of this alteration remains unclear.

Labcorp Genetics (formerly Invitae), Labcorp
Classification: Uncertain significance for Tumor predisposition syndrome 3. Last evaluated: 2020-01-28. Review status: criteria provided, single submitter. Criteria: Invitae Variant Classification Sherloc (09022015). Collection method: clinical testing. Allele origin: germline.
Comment: This variant is not present in population databases (ExAC no frequency). This variant has not been reported in the literature in individuals with POT1-related conditions. Algorithms developed to predict the effect of missense changes on protein structure and function are either unavailable or do not agree on the potential impact of this missense change (SIFT: "Deleterious"; PolyPhen-2: "Probably Damaging"; Align-GVGD: "Class C0"). In summary, the available evidence is currently insufficient to determine the role of this variant in disease. Therefore, it has been classified as a Variant of Uncertain Significance. This sequence change replaces threonine with isoleucine at codon 416 of the POT1 protein (p.Thr416Ile). The threonine residue is highly conserved and there is a moderate physicochemical difference between threonine and isoleucine.